The following is an entry in ClinVar:

NM_005219.5(DIAPH1):c.3803T>C (p.Val1268Ala)

Gene: DIAPH1 (diaphanous related formin 1; minus strand). Cytogenetic location: 5q31.3.
Variant type: single nucleotide variant.
Coding change: c.3803T>C on transcript NM_005219.5 (MANE Select); coding-DNA position 3803, T replaced by C.
Protein change: p.Val1268Ala; replaces valine 1268 with alanine.
Molecular consequence: missense variant. On other transcripts: 3 prime UTR variant (1).
Genome position (GRCh38, 1-based): chr5:141,516,867, A>G on the plus strand (T>C on the coding strand, the complement: DIAPH1 is on the minus strand). VCF-style: chr5-141516867-A-G. GRCh37 (hg19) VCF-style: chr5-140896434-A-G.
Other names: c.3803T>C (NM_005219.4); c.3776T>C, p.Val1259Ala (NM_001079812.3); c.*103T>C (NM_001314007.2); short protein forms V1259A, V1268A.
Identifiers: ClinVar variation 1383423 (VCV001383423.7), dbSNP rs1163619347, ClinGen allele CA361571717.
Genomic context (GRCh38, chr5:141,516,867, plus strand): 5'-GTCTGCGGCTCCGCTGAGGAGCTGCCGCGGTCACAGGACCCACATTAGCTTGCACGGCCA[A>G]CCAACTCCTTGGCTTCCTCAAGGATTGTGGGGAATGTCTCACTGTTCTTGGACACCTTGG-3'
Protein context (NP_005210.3, residues 1258-1272): PTILEEAKEL[Val1268Ala]GRAS

ClinVar aggregate classification (germline): Uncertain significance. Review status: criteria provided, multiple submitters, no conflicts (2 of 4 stars). 2 submissions from 2 submitters: Uncertain significance (2). Last evaluated 2026-01-10.

Conditions:
Autosomal dominant nonsyndromic hearing loss 1. Also called: KONIGSMARK SYNDROME; DEAFNESS, AUTOSOMAL DOMINANT 1, WITH OR WITHOUT THROMBOCYTOPENIA. Identifiers: Orphanet 90635, MedGen C1852282, MONDO:0007424, OMIM 124900.
Progressive microcephaly-seizures-cortical blindness-developmental delay syndrome. Also called: Seizures, cortical blindness, and microcephaly syndrome. Identifiers: Orphanet 477814, MedGen C5567650, MONDO:0014714, OMIM 616632.
DIAPH1-related disorder. Also called: DIAPH1-related condition.

Allele frequency attached by ClinVar (database versions not stated): gnomAD 0.00001; gnomAD exomes 0.00001 and 0.00003.

Submissions (2):

PreventionGenetics, part of Exact Sciences
Classification: Uncertain significance for DIAPH1-related condition. Last evaluated: 2026-01-10. Review status: criteria provided, single submitter. Criteria: ACMG Guidelines, 2015. Collection method: clinical testing. Allele origin: germline.
Comment: The DIAPH1 c.3803T>C variant is predicted to result in the amino acid substitution p.Val1268Ala. To our knowledge, this variant has not been reported in the literature. This variant is reported in 0.0033% of alleles in individuals of South Asian descent in gnomAD. At this time, the clinical significance of this variant is uncertain due to the absence of conclusive functional and genetic evidence.

Labcorp Genetics (formerly Invitae), Labcorp
Classification: Uncertain significance for Progressive microcephaly-seizures-cortical blindness-developmental delay syndrome; Autosomal dominant nonsyndromic hearing loss 1. Last evaluated: 2025-12-15. Review status: criteria provided, single submitter. Criteria: Invitae Variant Classification Sherloc (09022015). Collection method: clinical testing. Allele origin: germline.
Comment: This sequence change replaces valine, which is neutral and non-polar, with alanine, which is neutral and non-polar, at codon 1268 of the DIAPH1 protein (p.Val1268Ala). This variant is present in population databases (no rsID available, gnomAD 0.003%). This variant has not been reported in the literature in individuals affected with DIAPH1-related conditions. ClinVar contains an entry for this variant (Variation ID: 1383423). An algorithm developed to predict the effect of missense changes on protein structure and function (PolyPhen-2) suggests that this variant is likely to be tolerated. In summary, the available evidence is currently insufficient to determine the role of this variant in disease. Therefore, it has been classified as a Variant of Uncertain Significance.